The following is an entry in ClinVar:

NC_000015.9:g.(?_64680034)_(64747503_?)del

Gene: TRIP4 (thyroid hormone receptor interactor 4; plus strand). Cytogenetic location: 15q22.31.
Variant type: Deletion.
Identifiers: ClinVar variation 4847879 (VCV004847879.1).

ClinVar aggregate classification (germline): Pathogenic (1 of 4 stars; one submission).

Conditions:
TRIP4-related disorder. Also called: TRIP4-related condition; TRIP4-related disorders.

Submission:

Women's Health and Genetics/Laboratory Corporation of America, LabCorp
Classification: Pathogenic for TRIP4-Related Disorders. Last evaluated: 2026-02-12. Review status: criteria provided, single submitter. Criteria: LabCorp Variant Classification Summary - May 2015. Collection method: clinical testing. Allele origin: germline.
Comment: Variant summary: The variant involves the deletion of exons 1-13 in the TRIP4 gene. A presumed nomenclature of c.(?_-29)_(*240_?)del has been designated for the purposes of this classification. This deletion includes the entire coding sequence of the gene. As the exact proximal and distal breakpoints are unknown, it may extend beyond the annotated region of the gene to include other flanking genes. Loss-of-function variants in this gene are known to be pathogenic. The variant was absent in 21694 control chromosomes. To our knowledge, no occurrence of c.(?_-29)_(*240_?)del in individuals affected with TRIP4-related conditions and no experimental evidence demonstrating its impact on protein function have been reported. No submitters have cited clinical-significance assessments for this variant to ClinVar. Based on the evidence outlined above, the variant was classified as pathogenic.